The following is an entry in ClinVar:

NM_024312.5(GNPTAB):c.3369del (p.Phe1123fs)

Gene: GNPTAB (N-acetylglucosamine-1-phosphate transferase subunits alpha and beta; minus strand). Cytogenetic location: 12q23.2.
Variant type: Deletion.
Coding change: c.3369del on transcript NM_024312.5 (MANE Select); coding-DNA position 3369, one base deleted (T; older notation c.3369delT).
Protein change: p.Phe1123fs; shifts the reading frame from phenylalanine 1123.
Molecular consequence: frameshift variant.
Genome position (GRCh38, 1-based): chr12:101,757,277, A deleted on the plus strand (T on the coding strand, the reverse complement: GNPTAB is on the minus strand); the first of 4 consecutive A bases (chr12:101,757,277-101,757,280); deleting any one gives the same sequence. VCF-style (leftmost placement, unchanged base first): chr12-101757276-TA-T. GRCh37 (hg19) VCF-style: chr12-102151054-TA-T.
Other names: short protein forms F1123fs.
Identifiers: ClinVar variation 2951809 (VCV002951809.3), dbSNP rs2547951445, ClinGen allele CA2740092551.
Genomic context (GRCh38, chr12:101,757,276, plus strand): 5'-GGTTTTTTCTTATGTCATCCAACTGGCCAACCACATGAGAAACGTTGGTACGAATCATTT[TA>T]AAAGCGATTTCTTCTTCTCCCATGATTTCAAACCTAATTATCAAAACATATTTGAAGAGT-3'

ClinVar aggregate classification (germline): Pathogenic (1 of 4 stars; one submission).

Conditions:
Mucolipidosis type II. Also called: ML II ALPHA/BETA; Mucolipidosis 2; ML 2; Inclusion cell disease; Leroy Disease; N-acetylglucosamine 1phosphotransferase deficiency. Identifiers: Orphanet 576, MedGen C2673377, MONDO:0009650, OMIM 252500.
Pseudo-Hurler polydystrophy. Also called: ML III; ML III ALPHA/BETA; Type III Mucolipidosis; ML IIIA; Mucolipidosis III Alpha/Beta; MUCOLIPIDOSIS IIIA. Identifiers: Orphanet 423461, Orphanet 577, MedGen C0033788, MONDO:0018931, OMIM 252600.

Submission:

Labcorp Genetics (formerly Invitae), Labcorp
Classification: Pathogenic for Pseudo-Hurler polydystrophy; Mucolipidosis type II. Last evaluated: 2023-09-10. Review status: criteria provided, single submitter. Criteria: Invitae Variant Classification Sherloc (09022015). Collection method: clinical testing. Allele origin: germline.
Comment: This sequence change creates a premature translational stop signal (p.Phe1123Leufs*3) in the GNPTAB gene. It is expected to result in an absent or disrupted protein product. Loss-of-function variants in GNPTAB are known to be pathogenic (PMID: 19617216, 25107912). This variant is not present in population databases (gnomAD no frequency). This variant has not been reported in the literature in individuals affected with GNPTAB-related conditions. For these reasons, this variant has been classified as Pathogenic.

Literature cited by the submitters: PubMed 19617216; PubMed 25107912.